The following is an entry in ClinVar:

ClinVar aggregate classification (germline): Uncertain significance (1 of 4 stars; one submission).

Allele frequency attached by ClinVar (database versions not stated): 1000 Genomes Project 30x 0.00031.
gnomAD v4.1: 16 of 1,613,848 alleles (0.00099%); highest among the groups gnomAD compares: African/African-American, 0.011%; no homozygotes.

Submission:

Labcorp Genetics (formerly Invitae), Labcorp
Classification: Uncertain significance. Last evaluated: 2024-05-20. Review status: criteria provided, single submitter. Criteria: Invitae Variant Classification Sherloc (09022015). Collection method: clinical testing. Allele origin: germline.
Comment: This sequence change replaces proline, which is neutral and non-polar, with serine, which is neutral and polar, at codon 431 of the SLCO2A1 protein (p.Pro431Ser). This variant is present in population databases (rs146195307, gnomAD 0.007%). This variant has not been reported in the literature in individuals affected with SLCO2A1-related conditions. ClinVar contains an entry for this variant (Variation ID: 2163086). Advanced modeling of protein sequence and biophysical properties (such as structural, functional, and spatial information, amino acid conservation, physicochemical variation, residue mobility, and thermodynamic stability) performed at Invitae indicates that this missense variant is not expected to disrupt SLCO2A1 protein function with a negative predictive value of 80%. In summary, the available evidence is currently insufficient to determine the role of this variant in disease. Therefore, it has been classified as a Variant of Uncertain Significance.

NM_005630.3(SLCO2A1):c.1291C>T (p.Pro431Ser)

Gene: SLCO2A1 (solute carrier organic anion transporter family member 2A1; minus strand). Cytogenetic location: 3q22.1.
Variant type: single nucleotide variant.
Coding change: c.1291C>T on transcript NM_005630.3 (MANE Select); coding-DNA position 1291, C replaced by T.
Protein change: p.Pro431Ser; replaces proline 431 with serine.
Molecular consequence: missense variant.
Genome position (GRCh38, 1-based): chr3:133,947,260, G>A on the plus strand (C>T on the coding strand, the complement: SLCO2A1 is on the minus strand). VCF-style: chr3-133947260-G-A. GRCh37 (hg19) VCF-style: chr3-133666104-G-A.
Other names: short protein forms P431S.
Identifiers: ClinVar variation 2163086 (VCV002163086.3), dbSNP rs146195307, ClinGen allele CA2626524.